The following is an entry in ClinVar:

ClinVar aggregate classification (germline): Pathogenic (1 of 4 stars; one submission).

Conditions:
Hereditary cancer-predisposing syndrome. Also called: Hereditary Cancer Syndrome; Hereditary neoplastic syndrome; Neoplastic Syndromes, Hereditary; Tumor predisposition. Identifiers: Orphanet 140162, MedGen C0027672, MeSH D009386, MONDO:0015356.

Submission:

Ambry Genetics
Classification: Pathogenic for Hereditary cancer-predisposing syndrome. Last evaluated: 2025-08-22. Review status: criteria provided, single submitter. Criteria: Ambry Variant Classification Scheme 2023. Collection method: clinical testing. Allele origin: germline.
Comment: The c.2820delA pathogenic mutation, located in coding exon 10 of the BRCA2 gene, results from a deletion of one nucleotide at nucleotide position 2820, causing a translational frameshift with a predicted alternate stop codon (p.V941Cfs*19). This variant was reported in individual(s) with features consistent with BRCA2-related cancer predisposition (Rashid MU et al. Hered Cancer Clin Pract, 2019 Sep;17:27). This variant is considered to be rare based on population cohorts in the Genome Aggregation Database (gnomAD). This alteration is expected to result in loss of function by premature protein truncation or nonsense-mediated mRNA decay. As such, this alteration is interpreted as a disease-causing mutation.

Literature cited by the submitters: PubMed 31528241.

NM_000059.4(BRCA2):c.2820del (p.Val941fs)

Gene: BRCA2 (BRCA2 DNA repair associated; plus strand). Cytogenetic location: 13q13.1.
Variant type: Deletion.
Coding change: c.2820del on transcript NM_000059.4 (MANE Select); coding-DNA position 2820, one base deleted (A; older notation c.2820delA).
Protein change: p.Val941fs; shifts the reading frame from valine 941.
Molecular consequence: frameshift variant.
Genome position (GRCh38, 1-based): chr13:32,337,175, A deleted; the last of 2 consecutive A bases (chr13:32,337,174-32,337,175); deleting either gives the same sequence. VCF-style (leftmost placement, unchanged base first): chr13-32337173-CA-C. GRCh37 (hg19) VCF-style: chr13-32911310-CA-C.
Other names: c.2820delA (NM_000059.3); short protein forms V941fs.
Identifiers: ClinVar variation 4215912 (VCV004215912.1).